The following is an entry in ClinVar:

NM_005257.6(GATA6):c.704A>T (p.Tyr235Phe)

Gene: GATA6 (GATA binding protein 6; plus strand). Cytogenetic location: 18q11.2.
Variant type: single nucleotide variant.
Coding change: c.704A>T on transcript NM_005257.6 (MANE Select); coding-DNA position 704, A replaced by T.
Protein change: p.Tyr235Phe; replaces tyrosine 235 with phenylalanine.
Molecular consequence: missense variant.
Genome position (GRCh38, 1-based): chr18:22,171,848, A>T. VCF-style: chr18-22171848-A-T. GRCh37 (hg19) VCF-style: chr18-19751809-A-T.
Other names: short protein forms Y235F.
Identifiers: ClinVar variation 2036903 (VCV002036903.4), dbSNP rs1256474058, ClinGen allele CA401800534.
Genomic context (GRCh38, chr18:22,171,848, plus strand): 5'-ACGCGGGCGGCGCGGGCGCGCACCCCGGCTGGCCTCAGGCCTCGGCCGACAGCCCTCCAT[A>T]CGGCAGCGGAGGCGGCGCGGCTGGCGGCGGGGCCGCGGGGCCTGGCGGCGCTGGCTCAGC-3'
Protein context (NP_005248.2, residues 225-245): WPQASADSPP[Tyr235Phe]GSGGGAAGGG

ClinVar aggregate classification (germline): Uncertain significance (1 of 4 stars; one submission).

Conditions:
Atrioventricular septal defect 5 (AVSD5). Identifiers: MedGen C3280939, MONDO:0013769, OMIM 614474.

Allele frequency attached by ClinVar (database versions not stated): gnomAD 0.00001.
gnomAD v4.1: 1 of 1,187,334 alleles (0.000084%); highest among the groups gnomAD compares: South Asian, 0.0042%; no homozygotes.

Submission:

Labcorp Genetics (formerly Invitae), Labcorp
Classification: Uncertain significance for Atrioventricular septal defect 5. Last evaluated: 2022-06-25. Review status: criteria provided, single submitter. Criteria: Invitae Variant Classification Sherloc (09022015). Collection method: clinical testing. Allele origin: germline.
Comment: In summary, the available evidence is currently insufficient to determine the role of this variant in disease. Therefore, it has been classified as a Variant of Uncertain Significance. This variant disrupts the p.Tyr235 amino acid residue in GATA6. Other variant(s) that disrupt this residue have been determined to be pathogenic (PMID: 22750565). This suggests that this residue is clinically significant, and that variants that disrupt this residue are likely to be disease-causing. Algorithms developed to predict the effect of missense changes on protein structure and function (SIFT, PolyPhen-2, Align-GVGD) all suggest that this variant is likely to be tolerated. This variant has not been reported in the literature in individuals affected with GATA6-related conditions. This variant is not present in population databases (gnomAD no frequency). This sequence change replaces tyrosine, which is neutral and polar, with phenylalanine, which is neutral and non-polar, at codon 235 of the GATA6 protein (p.Tyr235Phe).

Literature cited by the submitters: PubMed 22750565.